The following is an entry in ClinVar:

NM_001144967.3(NEDD4L):c.1321A>G (p.Ile441Val)

Gene: NEDD4L (NEDD4 like E3 ubiquitin protein ligase; plus strand). Cytogenetic location: 18q21.31.
Variant type: single nucleotide variant.
Coding change: c.1321A>G on transcript NM_001144967.3 (MANE Select); coding-DNA position 1321, A replaced by G.
Protein change: p.Ile441Val; replaces isoleucine 441 with valine.
Molecular consequence: missense variant.
Genome position (GRCh38, 1-based): chr18:58,341,741, A>G. VCF-style: chr18-58341741-A-G. GRCh37 (hg19) VCF-style: chr18-56008973-A-G.
Other names: c.958A>G, p.Ile320Val (NM_001144964.1, NM_001144965.2, NM_001144966.3); c.1297A>G, p.Ile433Val (NM_001144968.2); c.1237A>G, p.Ile413Val (NM_001144969.2); c.898A>G, p.Ile300Val (NM_001144970.3, NM_001144971.2); c.1129A>G, p.Ile377Val (NM_001243960.2); c.1261A>G, p.Ile421Val (NM_015277.6); short protein forms I300V, I421V, I320V, I377V, I433V, I413V, I441V.
Identifiers: ClinVar variation 2699158 (VCV002699158.3), dbSNP rs2516812323, ClinGen allele CA402562701.

ClinVar aggregate classification (germline): Uncertain significance (1 of 4 stars; one submission).

Submission:

Labcorp Genetics (formerly Invitae), Labcorp
Classification: Uncertain significance. Last evaluated: 2023-11-27. Review status: criteria provided, single submitter. Criteria: Invitae Variant Classification Sherloc (09022015). Collection method: clinical testing. Allele origin: germline.
Comment: This sequence change replaces isoleucine, which is neutral and non-polar, with valine, which is neutral and non-polar, at codon 421 of the NEDD4L protein (p.Ile421Val). This variant is not present in population databases (gnomAD no frequency). This variant has not been reported in the literature in individuals affected with NEDD4L-related conditions. An algorithm developed to predict the effect of missense changes on protein structure and function (PolyPhen-2) suggests that this variant is likely to be tolerated. In summary, the available evidence is currently insufficient to determine the role of this variant in disease. Therefore, it has been classified as a Variant of Uncertain Significance.